The following is an entry in ClinVar:

NM_000455.5(STK11):c.433G>A (p.Glu145Lys)

Gene: STK11 (serine/threonine kinase 11; plus strand). Cytogenetic location: 19p13.3.
Variant type: single nucleotide variant.
Coding change: c.433G>A on transcript NM_000455.5 (MANE Select); coding-DNA position 433, G replaced by A.
Protein change: p.Glu145Lys; replaces glutamic acid 145 with lysine.
Molecular consequence: missense variant.
Genome position (GRCh38, 1-based): chr19:1,219,382, G>A. VCF-style: chr19-1219382-G-A. GRCh37 (hg19) VCF-style: chr19-1219381-G-A.
Other names: c.433G>A, p.Glu145Lys (NM_001407255.1); short protein forms E145K.
Identifiers: ClinVar variation 1720381 (VCV001720381.7), dbSNP rs1241537285, ClinGen allele CA402948297.

ClinVar aggregate classification (germline): Uncertain significance. Review status: criteria provided, multiple submitters, no conflicts (2 of 4 stars). 3 submissions from 3 submitters: Uncertain significance (3). Last evaluated 2025-11-17.

Conditions:
Hereditary cancer-predisposing syndrome. Also called: Hereditary neoplastic syndrome; Tumor predisposition; Neoplastic Syndromes, Hereditary; Hereditary Cancer Syndrome. Identifiers: Orphanet 140162, MedGen C0027672, MeSH D009386, MONDO:0015356.
Peutz-Jeghers syndrome (PJS). Also called: Peutz-Jeghers polyposis; Periorificial lentiginosis syndrome; POLYPOSIS, HAMARTOMATOUS INTESTINAL; POLYPS-AND-SPOTS SYNDROME. Identifiers: Orphanet 2869, MedGen C0031269, MeSH D010580, MONDO:0008280, OMIM 175200.

Allele frequency attached by ClinVar (database versions not stated): gnomAD exomes 0.00001.
gnomAD v4.1: 4 of 1,580,044 alleles (0.00025%); highest among the groups gnomAD compares: South Asian, 0.0034%; no homozygotes.

Submissions (3):

Color Diagnostics, LLC DBA Color Health
Classification: Uncertain significance for Hereditary cancer-predisposing syndrome. Last evaluated: 2025-11-17. Review status: criteria provided, single submitter. Criteria: ACMG Guidelines, 2015. Collection method: clinical testing. Allele origin: germline.
Comment: This missense variant replaces glutamic acid with lysine at codon 145 of the STK11 protein. Computational prediction suggests that this variant may not impact protein structure and function. To our knowledge, functional studies have not been reported for this variant. This variant has not been reported in individuals affected with STK11-related disorders in the literature. This variant has been identified in 4/1580044 chromosomes in the general population by the Genome Aggregation Database (gnomAD). The available evidence is insufficient to determine the role of this variant in disease conclusively. Therefore, this variant is classified as a Variant of Uncertain Significance.

Labcorp Genetics (formerly Invitae), Labcorp
Classification: Uncertain significance for Peutz-Jeghers syndrome. Last evaluated: 2025-08-15. Review status: criteria provided, single submitter. Criteria: Invitae Variant Classification Sherloc (09022015). Collection method: clinical testing. Allele origin: germline.
Comment: This sequence change replaces glutamic acid, which is acidic and polar, with lysine, which is basic and polar, at codon 145 of the STK11 protein (p.Glu145Lys). The frequency data for this variant in the population databases is considered unreliable, as metrics indicate poor data quality at this position in the gnomAD database. This variant has not been reported in the literature in individuals affected with STK11-related conditions. ClinVar contains an entry for this variant (Variation ID: 1720381). Invitae Evidence Modeling of protein sequence and biophysical properties (such as structural, functional, and spatial information, amino acid conservation, physicochemical variation, residue mobility, and thermodynamic stability) indicates that this missense variant is not expected to disrupt STK11 protein function with a negative predictive value of 95%. In summary, the available evidence is currently insufficient to determine the role of this variant in disease. Therefore, it has been classified as a Variant of Uncertain Significance.

Ambry Genetics
Classification: Uncertain significance for Hereditary cancer-predisposing syndrome. Last evaluated: 2024-05-04. Review status: criteria provided, single submitter. Criteria: Ambry Variant Classification Scheme 2023. Collection method: clinical testing. Allele origin: germline.
Comment: The p.E145K variant (also known as c.433G>A), located in coding exon 3 of the STK11 gene, results from a G to A substitution at nucleotide position 433. The glutamic acid at codon 145 is replaced by lysine, an amino acid with similar properties. This amino acid position is conserved. In addition, this alteration is predicted to be tolerated by in silico analysis. Based on the available evidence, the clinical significance of this variant remains unclear.